The following is an entry in ClinVar:

NM_015570.4(AUTS2):c.2609G>A (p.Arg870His)

Gene: AUTS2 (activator of transcription and developmental regulator AUTS2; plus strand). Cytogenetic location: 7q11.22.
Variant type: single nucleotide variant.
Coding change: c.2609G>A on transcript NM_015570.4 (MANE Select); coding-DNA position 2609, G replaced by A.
Protein change: p.Arg870His; replaces arginine 870 with histidine.
Molecular consequence: missense variant.
Genome position (GRCh38, 1-based): chr7:70,789,825, G>A. VCF-style: chr7-70789825-G-A. GRCh37 (hg19) VCF-style: chr7-70254811-G-A.
Other names: c.2537G>A, p.Arg846His (NM_001127231.3); short protein forms R846H, R870H.
Identifiers: ClinVar variation 1804905 (VCV001804905.7), dbSNP rs973467545, ClinGen allele CA160015182.

ClinVar aggregate classification (germline): Conflicting classifications of pathogenicity. Review status: criteria provided, conflicting classifications (1 of 4 stars). 3 submissions from 3 submitters: Uncertain significance (2); Likely benign (1). Last evaluated 2026-01-05.

Conditions:
Autism spectrum disorder due to AUTS2 deficiency (MRD26). Also called: INTELLECTUAL DEVELOPMENTAL DISORDER, AUTOSOMAL DOMINANT 26. Identifiers: Orphanet 352490, MedGen C4014435, MONDO:0014361, OMIM 615834.

Allele frequency attached by ClinVar (database versions not stated): TOPMed 0.00002; gnomAD exomes 0.00003.
gnomAD v4.1: 43 of 1,614,120 alleles (0.0027%); highest among the groups gnomAD compares: Non-Finnish European, 0.0036%; no homozygotes.

Submissions (3):

Labcorp Genetics (formerly Invitae), Labcorp
Classification: Likely benign. Last evaluated: 2026-01-05. Review status: criteria provided, single submitter. Criteria: Invitae Variant Classification Sherloc (09022015). Collection method: clinical testing. Allele origin: germline.

Blueprint Genetics
Classification: Uncertain significance. Last evaluated: 2024-10-14. Review status: criteria provided, single submitter. Criteria: ACMG Guidelines, 2015. Collection method: clinical testing. Allele origin: germline.

Victorian Clinical Genetics Services, Murdoch Childrens Research Institute
Classification: Uncertain significance for Autism spectrum disorder due to AUTS2 deficiency. Last evaluated: 2021-05-06. Review status: criteria provided, single submitter. Criteria: ACMG Guidelines, 2015. Collection method: clinical testing. Allele origin: germline. Inheritance: Autosomal dominant inheritance.
Comment: Based on the classification scheme VCGS_Germline_v1.3.4, this variant is classified as VUS-3C. Following criteria are met: 0102 - Loss of function is a known mechanism of disease in this gene and is associated with mental retardation, autosomal dominant 25 (MIM#615834). (I) 0107 - This gene is associated with autosomal dominant disease. (I) 0200 - Variant is predicted to result in a missense amino acid change from arginine to histidine. (I) 0251 - This variant is heterozygous. (I) 0301 - Variant is absent from gnomAD (both v2 and v3). (SP) 0502 - Missense variant with conflicting in silico predictions and uninformative conservation. (I) 0604 - Variant is not located in an established domain, motif, hotspot or informative constraint region. (I) 0709 - Another missense variant comparable to the one identified in this case has moderate previous evidence for being benign. This alternative change (p.Arg870Cys) has been reported once as likely benign (ClinVar). (SB) 0807 - This variant has no previous evidence of pathogenicity. (I) 0905 - No published segregation evidence has been identified for this variant. (I) 1007 - No published functional evidence has been identified for this variant. (I) 1208 - Inheritance information for this variant is not currently available in this individual. (I) Legend: (SP) - Supporting pathogenic, (I) - Information, (SB) - Supporting benign